The following is an entry in ClinVar:

ClinVar aggregate classification (germline): Benign. Review status: criteria provided, single submitter (1 of 4 stars). 2 submissions from 2 submitters: Benign (1). 1 of the submissions does not count toward it. Last evaluated 2023-08-04.

Conditions:
NBEA-related disorder. Also called: NBEA-related condition.

Allele frequency attached by ClinVar (database versions not stated): ExAC 0.01033; ESP Exome Variant Server 0.01386; gnomAD exomes 0.00360; 1000 Genomes Project 0.02696; 1000 Genomes Project 30x 0.02733; TOPMed 0.01707; gnomAD 0.01609.
gnomAD v4.1: 7,949 of 1,613,440 alleles (0.49%); highest among the groups gnomAD compares: African/African-American, 5.1%; 209 homozygotes.

Submissions (2):

Mayo Clinic Laboratories, Mayo Clinic
Classification: Benign. Last evaluated: 2023-08-04. Review status: criteria provided, single submitter. Criteria: ACMG Guidelines, 2015. Collection method: clinical testing. Allele origin: germline. Observed: 9 variant alleles.

PreventionGenetics, part of Exact Sciences
Classification: Benign for NBEA-related condition. Last evaluated: 2021-06-10. Review status: no assertion criteria provided. Collection method: clinical testing. Allele origin: germline. Not counted in ClinVar's aggregate classification.
Comment: This variant is classified as benign based on ACMG/AMP sequence variant interpretation guidelines (Richards et al. 2015 PMID: 25741868, with internal and published modifications).

NM_001385012.1(NBEA):c.3231A>C (p.Ser1077=)

Gene: NBEA (neurobeachin; plus strand). Cytogenetic location: 13q13.3.
Variant type: single nucleotide variant.
Coding change: c.3231A>C on transcript NM_001385012.1 (MANE Select); coding-DNA position 3231, A replaced by C.
Protein change: p.Ser1077=; no amino-acid change (serine 1077 retained).
Molecular consequence: synonymous variant.
Genome position (GRCh38, 1-based): chr13:35,159,402, A>C. VCF-style: chr13-35159402-A-C. GRCh37 (hg19) VCF-style: chr13-35733539-A-C.
Other names: p.Ser1077=; c.3231A>C, p.Ser1077= (NM_001379245.1, NM_015678.5).
Identifiers: ClinVar variation 3037205 (VCV003037205.3), dbSNP rs17051891, ClinGen allele CA6946601.
Genomic context (GRCh38, chr13:35,159,402, plus strand): 5'-AGATATAAAAGCAGAGAAAGTGGAAGCAACAGAAGTAAAGCTCGATGATATGGATTTATC[A>C]CCGGAGACTTTAGTAGGTGGAGAGAATGGTGCCCTTGTGGAGGTTGAATCTCTGTTGGAT-3'
Protein context (NP_001371941.1, residues 1067-1087): TEVKLDDMDL[Ser1077=]PETLVGGENG